The following is an entry in ClinVar:

NM_015378.4(VPS13D):c.2859G>A (p.Gln953=)

Gene: VPS13D (vacuolar protein sorting 13 homolog D; plus strand). Cytogenetic location: 1p36.22.
Variant type: single nucleotide variant.
Coding change: c.2859G>A on transcript NM_015378.4 (MANE Select); coding-DNA position 2859, G replaced by A.
Protein change: p.Gln953=; no amino-acid change (glutamine 953 retained).
Molecular consequence: synonymous variant.
Genome position (GRCh38, 1-based): chr1:12,276,447, G>A. VCF-style: chr1-12276447-G-A. GRCh37 (hg19) VCF-style: chr1-12336504-G-A.
Other names: p.Gln953=; c.2859G>A, p.Gln953= (NM_018156.4).
Identifiers: ClinVar variation 779093 (VCV000779093.40), dbSNP rs139222925, ClinGen allele CA601884.
Genomic context (GRCh38, chr1:12,276,447, plus strand): 5'-TTTAACCCAGAGCATTGTGTTGTTGGAGCAGCATACCCGCGAGGTTCTGGTGGAGTCGCA[G>A]CTCCTCCTGGCGGAATTTAAAGTGAACTGTATGCAGCTTGGTGTTGAGAGCAATGGCCGG-3'
Protein context (NP_056193.2, residues 943-963): QHTREVLVES[Gln953=]LLLAEFKVNC

ClinVar aggregate classification (germline): Benign/Likely benign. Review status: criteria provided, multiple submitters, no conflicts (2 of 4 stars). 4 submissions from 4 submitters: Benign (3); Likely benign (1). Last evaluated 2026-07-01.

Allele frequency attached by ClinVar (database versions not stated): 1000 Genomes Project 30x 0.00312; 1000 Genomes Project 0.00319; TOPMed 0.00441; gnomAD 0.00499 and 0.00503; ESP Exome Variant Server 0.00561; ExAC 0.00624; gnomAD exomes 0.00626 and 0.00679.
gnomAD v4.1: 10,674 of 1,614,206 alleles (0.66%); highest among the groups gnomAD compares: Middle Eastern, 0.92%; 57 homozygotes.

Submissions (4):

CeGaT Center for Human Genetics Tuebingen
Classification: Likely benign. Last evaluated: 2026-07-01. Review status: criteria provided, single submitter. Criteria: CeGaT Center For Human Genetics Tuebingen Variant Classification Criteria Version 2. Collection method: clinical testing. Allele origin: germline. Affected: yes. Observed: 32 variant alleles.
Comment: VPS13D: BP4, BS2

Labcorp Genetics (formerly Invitae), Labcorp
Classification: Benign. Last evaluated: 2026-02-02. Review status: criteria provided, single submitter. Criteria: Invitae Variant Classification Sherloc (09022015). Collection method: clinical testing. Allele origin: germline.

Mayo Clinic Laboratories, Mayo Clinic
Classification: Benign. Last evaluated: 2023-03-15. Review status: criteria provided, single submitter. Criteria: ACMG Guidelines, 2015. Collection method: clinical testing. Allele origin: germline. Observed: 18 variant alleles.
Comment: BS1, BS2, BP4, BP7

Breakthrough Genomics
Classification: Benign. Review status: criteria provided, single submitter. Criteria: ACMG Guidelines, 2015. Collection method: not provided. Allele origin: germline. Inheritance: Autosomal recessive inheritance. Affected: yes.